The following is an entry in ClinVar:

NM_205768.3(ZBTB18):c.1462G>A (p.Gly488Arg)

Gene: ZBTB18 (zinc finger and BTB domain containing 18; plus strand). Cytogenetic location: 1q44.
Variant type: single nucleotide variant.
Coding change: c.1462G>A on transcript NM_205768.3 (MANE Select); coding-DNA position 1462, G replaced by A.
Protein change: p.Gly488Arg; replaces glycine 488 with arginine.
Molecular consequence: missense variant.
Genome position (GRCh38, 1-based): chr1:244,055,236, G>A. VCF-style: chr1-244055236-G-A. GRCh37 (hg19) VCF-style: chr1-244218538-G-A.
Other names: c.1435G>A, p.Gly479Arg (NM_001278196.2, NM_006352.5); short protein forms G479R, G488R.
Identifiers: ClinVar variation 985432 (VCV000985432.9), dbSNP rs1698439878, ClinGen allele CA345675189.

ClinVar aggregate classification (germline): Conflicting classifications of pathogenicity. Review status: criteria provided, conflicting classifications (1 of 4 stars). 3 submissions from 3 submitters: Pathogenic (2); Uncertain significance (1). Last evaluated 2026-08-24.

Conditions:
Inborn genetic diseases. Identifiers: MedGen C0950123, MeSH D030342.

Submissions (3):

GeneDx
Classification: Pathogenic. Last evaluated: 2026-08-24. Review status: criteria provided, single submitter. Criteria: GeneDx Variant Classification Process June 2021. Collection method: clinical testing. Allele origin: germline.
Comment: Not observed at significant frequency in large population cohorts (gnomAD); In silico analysis supports that this missense variant has a deleterious effect on protein structure/function; Has not been previously published in individual with ZBTB18-related disorder as pathogenic or benign to our knowledge; This variant is associated with the following publications: (PMID: 33621064, 40905141)

Ambry Genetics
Classification: Pathogenic for Inborn genetic diseases. Last evaluated: 2026-02-13. Review status: criteria provided, single submitter. Criteria: Ambry Variant Classification Scheme 2023. Collection method: clinical testing. Allele origin: germline.
Comment: The alteration results in an amino acid change: The c.1462G>A (p.G488R) alteration is located in coding exon 2 of the ZBTB18 gene. This alteration results from a G to A substitution at nucleotide position 1462, causing the glycine (G) at amino acid position 488 to be replaced by an arginine (R). This variant was not reported in population-based cohorts in the Genome Aggregation Database (gnomAD). This variant was reported in individuals with features consistent with ZBTB18-related neurodevelopmental disorder (external communication). This amino acid position is highly conserved in available vertebrate species. This missense variant is located in a region that has a low rate of benign missense variation (Lek, 2016; Firth, 2009). This alteration is predicted to be deleterious by in silico analysis. Based on the available evidence, this alteration is classified as pathogenic.

Labcorp Genetics (formerly Invitae), Labcorp
Classification: Uncertain significance. Last evaluated: 2025-09-28. Review status: criteria provided, single submitter. Criteria: Invitae Variant Classification Sherloc (09022015). Collection method: clinical testing. Allele origin: germline.
Comment: This sequence change replaces glycine, which is neutral and non-polar, with arginine, which is basic and polar, at codon 488 of the ZBTB18 protein (p.Gly488Arg). This variant is not present in population databases (gnomAD no frequency). This variant has not been reported in the literature in individuals affected with ZBTB18-related conditions. ClinVar contains an entry for this variant (Variation ID: 985432). Invitae Evidence Modeling of protein sequence and biophysical properties (such as structural, functional, and spatial information, amino acid conservation, physicochemical variation, residue mobility, and thermodynamic stability) indicates that this missense variant is expected to disrupt ZBTB18 protein function with a positive predictive value of 95%. In summary, the available evidence is currently insufficient to determine the role of this variant in disease. Therefore, it has been classified as a Variant of Uncertain Significance.